The following is an entry in ClinVar:

NM_001370259.2(MEN1):c.1484C>G (p.Pro495Arg)

Gene: MEN1 (menin 1; minus strand). Cytogenetic location: 11q13.1.
Variant type: single nucleotide variant.
Coding change: c.1484C>G on transcript NM_001370259.2 (MANE Select); coding-DNA position 1484, C replaced by G.
Protein change: p.Pro495Arg; replaces proline 495 with arginine.
Molecular consequence: missense variant.
Genome position (GRCh38, 1-based): chr11:64,804,683, G>C on the plus strand (C>G on the coding strand, the complement: MEN1 is on the minus strand). VCF-style: chr11-64804683-G-C. GRCh37 (hg19) VCF-style: chr11-64572155-G-C.
Other names: c.1499C>G, p.Pro500Arg (NM_000244.4, NM_001407145.1, NM_130800.3 and 4 more transcripts); c.1610C>G, p.Pro537Arg (NM_001370251.2, NM_001407142.1, NM_001407143.1 and 1 more transcripts); c.1484C>G, p.Pro495Arg (NM_001370260.2, NM_001370261.2, NM_001407146.1 and 2 more transcripts); c.1379C>G, p.Pro460Arg (NM_001370262.2, NM_001370263.2, NM_001407148.1 and 1 more transcripts); c.1625C>G, p.Pro542Arg (NM_001407150.1); c.1505C>G, p.Pro502Arg (NM_001407151.1); c.1319C>G, p.Pro440Arg (NM_001407152.1); short protein forms P460R, P537R, P542R, P440R, P502R, P495R, P500R.
Identifiers: ClinVar variation 1773633 (VCV001773633.3), dbSNP rs2497120935, ClinGen allele CA381178989.
Genomic context (GRCh38, chr11:64,804,683, plus strand): 5'-GGGGGTCCTGACACTGCACCCTGGCCGGTGCCCAGGCCCTTGTCCAGTGCTGGCTTCTTG[G>C]GCGGCGGGGGCTCCTCTGGCTTGGACTCCCGCCGTGGGCCCCGCCGCCGGCCTTCCCGGG-3'
Protein context (NP_001357188.2, residues 485-505): RESKPEEPPP[Pro495Arg]KKPALDKGLG

ClinVar aggregate classification (germline): Uncertain significance (1 of 4 stars; one submission).

Conditions:
Hereditary cancer-predisposing syndrome. Also called: Hereditary Cancer Syndrome; Hereditary neoplastic syndrome; Neoplastic Syndromes, Hereditary; Tumor predisposition. Identifiers: Orphanet 140162, MedGen C0027672, MeSH D009386, MONDO:0015356.

Submission:

Ambry Genetics
Classification: Uncertain significance for Hereditary cancer-predisposing syndrome. Last evaluated: 2022-04-19. Review status: criteria provided, single submitter. Criteria: Ambry Variant Classification Scheme 2023. Collection method: clinical testing. Allele origin: germline.
Comment: The p.P495R variant (also known as c.1484C>G), located in coding exon 9 of the MEN1 gene, results from a C to G substitution at nucleotide position 1484. The proline at codon 495 is replaced by arginine, an amino acid with dissimilar properties. This amino acid position is conserved. In addition, the in silico prediction for this alteration is inconclusive. Since supporting evidence is limited at this time, the clinical significance of this alteration remains unclear.